The following is an entry in ClinVar:

NM_005632.3(CAPN15):c.1449+8G>A

Gene: CAPN15 (calpain 15; plus strand). Cytogenetic location: 16p13.3.
Variant type: single nucleotide variant.
Coding change: c.1449+8G>A on transcript NM_005632.3 (MANE Select); 8 bases into the intron after coding-DNA position 1449, G replaced by A.
Molecular consequence: intron variant.
Genome position (GRCh38, 1-based): chr16:548,295, G>A. VCF-style: chr16-548295-G-A. GRCh37 (hg19) VCF-style: chr16-598295-G-A.
Identifiers: ClinVar variation 3234196 (VCV003234196.20), dbSNP rs200359206, ClinGen allele CA7778329.

ClinVar aggregate classification (germline): Likely benign (1 of 4 stars; one submission).

Allele frequency attached by ClinVar (database versions not stated): ESP Exome Variant Server 0.00089; 1000 Genomes Project 30x 0.00094; 1000 Genomes Project 0.00120; gnomAD 0.00141; ExAC 0.00266.

Submission:

CeGaT Center for Human Genetics Tuebingen
Classification: Likely benign. Last evaluated: 2026-04-01. Review status: criteria provided, single submitter. Criteria: CeGaT Center For Human Genetics Tuebingen Variant Classification Criteria Version 2. Collection method: clinical testing. Allele origin: germline. Affected: yes. Observed: 2 variant alleles.
Comment: CAPN15: BP4